The following is an entry in ClinVar:

ClinVar aggregate classification (germline): Conflicting classifications of pathogenicity. Review status: criteria provided, conflicting classifications (1 of 4 stars). 11 submissions from 9 submitters: Uncertain significance (8); Benign (1); Likely benign (1). 1 of the submissions does not count toward it. Last evaluated 2025-08-20.

Conditions:
Dilated cardiomyopathy 1I (CMD1I). Identifiers: Orphanet 154, MedGen C1858154, MONDO:0011482, OMIM 604765.
Desmin-related myofibrillar myopathy (MFM1). Also called: MYOFIBRILLAR MYOPATHY WITH ARRHYTHMOGENIC RIGHT VENTRICULAR CARDIOMYOPATHY; DESMIN-RELATED MYOPATHY WITH ARRHYTHMOGENIC RIGHT VENTRICULAR CARDIOMYOPATHY; Desminopathy; Desmin related myopathy (former name); Desmin storage myopathy (former name); Myofibrillar myopathy 1. Identifiers: Orphanet 363543, Orphanet 98909, MedGen C1832370, MONDO:0011076, OMIM 601419.
Neurogenic scapuloperoneal syndrome, Kaeser type (SCPNK). Also called: KAESER SYNDROME. Identifiers: Orphanet 85146, MedGen C1867005, MONDO:0008407, OMIM 181400.
Cardiovascular phenotype. Identifiers: MedGen CN230736.

Allele frequency attached by ClinVar (database versions not stated): gnomAD 0.00007 and 0.00008; 1000 Genomes Project 30x 0.00031; 1000 Genomes Project 0.00040; TOPMed 0.00005; ExAC 0.00006.
gnomAD v4.1: 23 of 1,593,166 alleles (0.0014%); highest among the groups gnomAD compares: African/African-American, 0.02%; no homozygotes.

Submissions (11):

Labcorp Genetics (formerly Invitae), Labcorp
Classification: Uncertain significance for Desmin-related myofibrillar myopathy. Last evaluated: 2025-08-20. Review status: criteria provided, single submitter. Criteria: Invitae Variant Classification Sherloc (09022015). Collection method: clinical testing. Allele origin: germline.
Comment: This sequence change replaces glycine, which is neutral and non-polar, with serine, which is neutral and polar, at codon 65 of the DES protein (p.Gly65Ser). This variant is present in population databases (rs397516692, gnomAD 0.02%). This missense change has been observed in individual(s) with dilated cardiomyopathy (PMID: 27532257, 34011823, 37652022). ClinVar contains an entry for this variant (Variation ID: 44256). Invitae Evidence Modeling of protein sequence and biophysical properties (such as structural, functional, and spatial information, amino acid conservation, physicochemical variation, residue mobility, and thermodynamic stability) indicates that this missense variant is not expected to disrupt DES protein function with a negative predictive value of 80%. In summary, the available evidence is currently insufficient to determine the role of this variant in disease. Therefore, it has been classified as a Variant of Uncertain Significance.

Ambry Genetics
Classification: Uncertain significance for Cardiovascular phenotype. Last evaluated: 2021-04-13. Review status: criteria provided, single submitter. Criteria: Ambry Variant Classification Scheme 2023. Collection method: clinical testing. Allele origin: germline.

Revvity Omics, Revvity
Classification: Uncertain significance. Last evaluated: 2020-05-14. Review status: criteria provided, single submitter. Criteria: ACMG Guidelines, 2015. Collection method: clinical testing. Allele origin: germline.

Laboratory for Molecular Medicine, Mass General Brigham Personalized Medicine
Classification: Likely benign. Last evaluated: 2019-12-11. Review status: criteria provided, single submitter. Criteria: LMM Criteria. Collection method: clinical testing. Allele origin: germline. Observed: 2 variant alleles.
Comment: proposed classification - variant undergoing re-assessment, contact laboratory

Illumina Laboratory Services, Illumina
Classification: Benign for Neurogenic scapuloperoneal syndrome, Kaeser type. Last evaluated: 2018-01-12. Review status: criteria provided, single submitter. Criteria: ICSL Variant Classification Criteria 13 December 2019. Collection method: clinical testing. Allele origin: germline.
Comment: This variant was observed in the ICSL laboratory as part of a predisposition screen in an ostensibly healthy population. It had not been previously curated by ICSL or reported in the Human Gene Mutation Database (HGMD: prior to June 1st, 2018), and was therefore a candidate for classification through an automated scoring system. Utilizing variant allele frequency, disease prevalence and penetrance estimates, and inheritance mode, an automated score was calculated to assess if this variant is too frequent to cause the disease. Based on the score and internal cut-off values, a variant classified as benign is not then subjected to further curation. The score for this variant resulted in a classification of benign for this disease.

Illumina Laboratory Services, Illumina
Classification: Uncertain significance for Myofibrillar myopathy 1. Last evaluated: 2018-01-12. Review status: criteria provided, single submitter. Criteria: ICSL Variant Classification Criteria 13 December 2019. Collection method: clinical testing. Allele origin: germline.

Illumina Laboratory Services, Illumina
Classification: Uncertain significance for Dilated cardiomyopathy 1I. Last evaluated: 2018-01-12. Review status: criteria provided, single submitter. Criteria: ICSL Variant Classification Criteria 13 December 2019. Collection method: clinical testing. Allele origin: germline.

GeneDx
Classification: Uncertain significance. Last evaluated: 2017-07-05. Review status: criteria provided, single submitter. Criteria: GeneDx Variant Classification (06012015). Collection method: clinical testing. Allele origin: germline. Affected: yes.
Comment: The G65S variant has been previously reported as a variant of uncertain significance in an individual with dilated cardiomyopathy; however, segregation analysis and functional studies were not provided (Pugh et al., 2014). The G65S variant is observed in 2/3,696 (0.05%) alleles from individuals of African background (Lek et al., 2016; 1000 Genomes Consortium et al., 2015; Exome Variant Server). This variant is a non-conservative amino acid substitution, which is likely to impact secondary protein structure as these residues differ in polarity, charge, size and/or other properties. This substitution occurs at a position that is conserved in mammals; however, missense variants in nearby residues have not been reported in the Human Gene Mutation Database in association with DES-related disorders (Stenson et al., 2014). In silico analysis is inconsistent in its predictions as to whether or not the variant is damaging to the protein structure/function.

Fulgent Genetics
Classification: Uncertain significance for Neurogenic scapuloperoneal syndrome, Kaeser type; Desmin-related myofibrillar myopathy; Dilated cardiomyopathy 1I. Last evaluated: 2017-05-23. Review status: criteria provided, single submitter. Criteria: ACMG Guidelines, 2015. Collection method: clinical testing. Allele origin: unknown.

Eurofins Ntd Llc (ga)
Classification: Uncertain significance. Last evaluated: 2016-10-10. Review status: criteria provided, single submitter. Criteria: EGL Classification Definitions 2015. Collection method: clinical testing. Allele origin: germline. Observed: 2 variant alleles, 2 heterozygotes.

KTest Genetics, KTest
Classification: Likely pathogenic for Dilated cardiomyopathy 1I. Review status: no assertion criteria provided. Criteria: ACMG Guidelines, 2015. Collection method: clinical testing. Allele origin: germline. Affected: yes. Not counted in ClinVar's aggregate classification.

Literature cited by the submitters: PubMed 27532257 (cited by Labcorp Genetics (formerly Invitae), Labcorp); PubMed 34011823 (cited by Labcorp Genetics (formerly Invitae), Labcorp); PubMed 37652022 (cited by Labcorp Genetics (formerly Invitae), Labcorp).

NM_001927.4(DES):c.193G>A (p.Gly65Ser)

Gene: DES (desmin; plus strand). Cytogenetic location: 2q35.
Variant type: single nucleotide variant.
Coding change: c.193G>A on transcript NM_001927.4 (MANE Select); coding-DNA position 193, G replaced by A.
Protein change: p.Gly65Ser; replaces glycine 65 with serine.
Molecular consequence: missense variant.
Genome position (GRCh38, 1-based): chr2:219,418,655, G>A. VCF-style: chr2-219418655-G-A. GRCh37 (hg19) VCF-style: chr2-220283377-G-A.
Other names: short protein forms G65S.
Identifiers: ClinVar variation 44256 (VCV000044256.29), dbSNP rs397516692, ClinGen allele CA133838.
Genomic context (GRCh38, chr2:219,418,655, plus strand): 5'-TCCTCCAGCTCGGTGACGTCCCGCGTGTACCAGGTGTCGCGCACGTCGGGCGGGGCCGGG[G>A]GCCTGGGGTCGCTGCGGGCCAGCCGGCTGGGGACCACCCGCACGCCCTCCTCCTACGGCG-3'
Protein context (NP_001918.3, residues 55-75): QVSRTSGGAG[Gly65Ser]LGSLRASRLG